The following is an entry in ClinVar:

ClinVar aggregate classification (germline): Conflicting classifications of pathogenicity. Review status: criteria provided, conflicting classifications (1 of 4 stars). 7 submissions from 7 submitters: Pathogenic (2); Likely pathogenic (3); Uncertain significance (2). Last evaluated 2025-09-24.

Conditions:
PROKR2-related disorder. Also called: PROKR2-related condition.
Hypogonadotropic hypogonadism 3 with or without anosmia (HH3). Also called: HYPOGONADOTROPIC HYPOGONADISM 3 WITH ANOSMIA; PROKR2-Related GnRH Deficiency (Kallmann Syndrome 3). Identifiers: Orphanet 478, MedGen C3550478, MONDO:0009482, OMIM 244200.
Hypogonadotropic hypogonadism 7 with or without anosmia (HH7). Also called: HYPOGONADOTROPIC HYPOGONADISM 7 WITHOUT ANOSMIA; GNRHR-Related GnRH Deficiency. Identifiers: Orphanet 432, MedGen C0342384, MONDO:0007794, OMIM 146110.

Allele frequency attached by ClinVar (database versions not stated): gnomAD exomes 0.00001; ExAC 0.00002; gnomAD 0.00002; TOPMed 0.00005; ESP Exome Variant Server 0.00008; 1000 Genomes Project 30x 0.00031.
gnomAD v4.1: 24 of 1,614,190 alleles (0.0015%); highest among the groups gnomAD compares: African/African-American, 0.0053%; no homozygotes.

Submissions (7):

Women's Health and Genetics/Laboratory Corporation of America, LabCorp
Classification: Uncertain significance. Last evaluated: 2025-09-24. Review status: criteria provided, single submitter. Criteria: LabCorp Variant Classification Summary - May 2015. Collection method: clinical testing. Allele origin: germline.
Comment: Variant summary: PROKR2 c.563C>T (p.Ser188Leu) results in a non-conservative amino acid change in the encoded protein sequence. Algorithms developed to predict the effect of missense changes on protein structure and function are either unavailable or do not agree on the potential impact of this missense change. The variant allele was found at a frequency of 1.2e-05 in 251472 control chromosomes in the gnomAD v2 database. It was also reported as 24 heterozygotes in the GnomAD v4 database. c.563C>T has been observed in multiple individuals affected with hypogonadotropic hypogonadism and Kallmann Syndrome (Cole_2008, Eggers_2016, Ayers_2017, Xu_2017, Senthilraja_2019, Maron_2021, Zhang_2021) . These report(s) do not provide unequivocal conclusions about association of the variant with Kallmann Syndrome 3 and other PROKR2-related diseases. At least one publication reports experimental evidence evaluating an impact on protein function. The most pronounced variant effect results in about 20% of normal cellular surface expression in HEK293 cells (Sbai_2014, Cole_2008) and reduced Gq pathway functionality (Wang_2023). Cox_2018 however reported the compromised signaling effects of this variant can be partially rescued by the WT allele in vitro. The following publications have been ascertained in the context of this evaluation (PMID: 28209183, 18559922, 29161432, 27899157, 33587123, 24830383, 31781422, 36694982, 28754744, 34348883). ClinVar contains an entry for this variant (Variation ID: 180158). Based on the evidence outlined above, the variant was classified as VUS-possibly pathogenic.

3billion
Classification: Pathogenic for Hypogonadotropic hypogonadism 3 with or without anosmia. Last evaluated: 2025-01-23. Review status: criteria provided, single submitter. Criteria: ACMG Guidelines, 2015. Collection method: clinical testing. Allele origin: germline. Affected: yes.
Comment: The variant is observed at an extremely low frequency in the gnomAD v4.1.0 dataset (total allele frequency: 0.001%). Predicted Consequence/Location: Missense variant Functional studies provide strong evidence of the variant having a damaging effect on the gene or gene product (PMID: 18559922). The same nucleotide change resulting in the same amino acid change has been previously reported as pathogenic/likely pathogenic with strong evidence (ClinVar ID: VCV000180158 /PMID: 18559922 /3billion dataset). Therefore, this variant is classified as Pathogenic according to the recommendation of ACMG/AMP guideline.

Labcorp Genetics (formerly Invitae), Labcorp
Classification: Uncertain significance. Last evaluated: 2025-01-20. Review status: criteria provided, single submitter. Criteria: Invitae Variant Classification Sherloc (09022015). Collection method: clinical testing. Allele origin: germline.
Comment: This sequence change replaces serine, which is neutral and polar, with leucine, which is neutral and non-polar, at codon 188 of the PROKR2 protein (p.Ser188Leu). This variant is present in population databases (rs376239580, gnomAD 0.01%). This missense change has been observed in individual(s) with absent puberty, disorders of sex development, hypogonadotropic hypogonadism, Kallman syndrome, and/or micropenis (PMID: 18559922, 27899157, 28209183, 28754744, 31781422, 33587123, 34348883). ClinVar contains an entry for this variant (Variation ID: 180158). Invitae Evidence Modeling of protein sequence and biophysical properties (such as structural, functional, and spatial information, amino acid conservation, physicochemical variation, residue mobility, and thermodynamic stability) has been performed for this missense variant. However, the output from this modeling did not meet the statistical confidence thresholds required to predict the impact of this variant on PROKR2 protein function. Experimental studies have shown that this missense change affects PROKR2 function (PMID: 18559922, 24830383, 29161432, 36694982). In summary, the available evidence is currently insufficient to determine the role of this variant in disease. Therefore, it has been classified as a Variant of Uncertain Significance.

Blueprint Genetics
Classification: Likely pathogenic for PROKR2-related disorders. Last evaluated: 2024-05-28. Review status: criteria provided, single submitter. Criteria: ACMG Guidelines, 2015. Collection method: clinical testing. Allele origin: germline. Affected: yes. Observed: 5 variant alleles.

Fulgent Genetics
Classification: Likely pathogenic for Hypogonadotropic hypogonadism 3 with or without anosmia. Last evaluated: 2022-02-02. Review status: criteria provided, single submitter. Criteria: ACMG Guidelines, 2015. Collection method: clinical testing. Allele origin: unknown.

Athena Diagnostics
Classification: Pathogenic. Last evaluated: 2019-07-02. Review status: criteria provided, single submitter. Criteria: Athena Diagnostics Criteria. Collection method: clinical testing. Allele origin: unknown.
Comment: This variant is statistically more frequent in affected individuals than in the general population and/or healthy controls (PMID: 28209183, 18559922). Assessment of experimental evidence suggests this variant reduces the downstream signaling effects of this receptor, thus disrupting the normal function of the protein (PMID: 18559922, 29161432).This observation is not an independent occurrence and has been identified in the same individual by RCIGM, the other laboratory participating in the GEMINI study.

Chan Lab, Boston Children's Hospital
Classification: Likely pathogenic for Hypogonadotrophic hypogonadism. Last evaluated: 2014-11-01. Review status: criteria provided, single submitter. Criteria: Submitter's publication. Collection method: case-control. Allele origin: maternal. Affected: yes. Observed: 1 variant allele.

Literature cited by the submitters: PubMed 29161432 (cited by Women's Health and Genetics/Laboratory Corporation of America, LabCorp and Labcorp Genetics (formerly Invitae), Labcorp); PubMed 24830383 (cited by Women's Health and Genetics/Laboratory Corporation of America, LabCorp and Labcorp Genetics (formerly Invitae), Labcorp); PubMed 33587123 (cited by Women's Health and Genetics/Laboratory Corporation of America, LabCorp and Labcorp Genetics (formerly Invitae), Labcorp); PubMed 27899157 (cited by Women's Health and Genetics/Laboratory Corporation of America, LabCorp and Labcorp Genetics (formerly Invitae), Labcorp); PubMed 36694982 (cited by Women's Health and Genetics/Laboratory Corporation of America, LabCorp and Labcorp Genetics (formerly Invitae), Labcorp); PubMed 34348883 (cited by Women's Health and Genetics/Laboratory Corporation of America, LabCorp and Labcorp Genetics (formerly Invitae), Labcorp); PubMed 18559922 (cited by 3 submitters); PubMed 28209183 (cited by Women's Health and Genetics/Laboratory Corporation of America, LabCorp and Labcorp Genetics (formerly Invitae), Labcorp); PubMed 31781422 (cited by Women's Health and Genetics/Laboratory Corporation of America, LabCorp and Labcorp Genetics (formerly Invitae), Labcorp); PubMed 28754744 (cited by Women's Health and Genetics/Laboratory Corporation of America, LabCorp and Labcorp Genetics (formerly Invitae), Labcorp).

NM_144773.4(PROKR2):c.563C>T (p.Ser188Leu)

Gene: PROKR2 (prokineticin receptor 2; minus strand). Cytogenetic location: 20p12.3.
Variant type: single nucleotide variant.
Coding change: c.563C>T on transcript NM_144773.4 (MANE Select); coding-DNA position 563, C replaced by T.
Protein change: p.Ser188Leu; replaces serine 188 with leucine.
Molecular consequence: missense variant.
Genome position (GRCh38, 1-based): chr20:5,302,632, G>A on the plus strand (C>T on the coding strand, the complement: PROKR2 is on the minus strand). VCF-style: chr20-5302632-G-A. GRCh37 (hg19) VCF-style: chr20-5283278-G-A.
Other names: short protein forms S188L.
Identifiers: ClinVar variation 180158 (VCV000180158.12), dbSNP rs376239580, ClinGen allele CA185891.
Genomic context (GRCh38, chr20:5,302,632, plus strand): 5'-CAGAAGATCTTCTCCTGGCTCTTGACAATAAAGAGGACCGTTTCTGTTGCAAAGTAAGCC[G>A]ATGGGATGGCAATGAGAATGGACACCATCCAGACCAAGGCGATCAGGAAGGAGGCCGTTT-3'
Protein context (NP_658986.1, residues 178-198): WMVSILIAIP[Ser188Leu]AYFATETVLF